The following is an entry in ClinVar:

ClinVar aggregate classification (germline): Uncertain significance (1 of 4 stars; one submission).

Conditions:
Bethlem myopathy 1A. Also called: MYOPATHY, BENIGN CONGENITAL, WITH CONTRACTURES; Bethlem Muscular Dystrophy; Bethlem myopathy 1. Identifiers: Orphanet 610, MedGen CN029274, MONDO:0024530, OMIM 158810.

Submission:

Labcorp Genetics (formerly Invitae), Labcorp
Classification: Uncertain significance for Bethlem myopathy 1A. Last evaluated: 2017-10-14. Review status: criteria provided, single submitter. Criteria: Invitae Variant Classification Sherloc (09022015). Collection method: clinical testing. Allele origin: germline.
Comment: A gross duplication of the genomic region encompassing the full coding sequence of the COL6A3 gene has been identified. The boundaries of this event are unknown as the duplication extends beyond the assayed region for this gene and therefore may encompass additional genes. As the precise location of this duplication is unknown, it may be in tandem or it may be located elsewhere in the genome. This copy number variant has not been reported in the literature in individuals with COL6A3-related disease. Experimental studies are not available for this variant, and the functional significance of the additional copy of the COL6A3 gene is currently unknown. In summary, the available evidence is currently insufficient to determine the role of this variant in disease. Therefore, it has been classified as a Variant of Uncertain Significance.

NC_000002.11:g.(?_237481970)_(238305480_?)dup

Genes: ACKR3 (atypical chemokine receptor 3; plus strand), COL6A3 (collagen type VI alpha 3 chain; minus strand), COPS8 (COP9 signalosome subunit 8; plus strand), COPS8-DT (COPS8 divergent transcript; minus strand), LOC112840913 (Sharpr-MPRA regulatory region 9900; plus strand) and 9 more. Cytogenetic location: 2q37.3.
Variant type: Duplication.
Identifiers: ClinVar variation 543036 (VCV000543036.1).